The following is an entry in ClinVar:

NM_001035.3(RYR2):c.3900G>A (p.Met1300Ile)

Genes: RYR2 (ryanodine receptor 2; plus strand), LOC126806067 (BRD4-independent group 4 enhancer GRCh37_chr1:237753258-237754457; plus strand). Cytogenetic location: 1q43.
Variant type: single nucleotide variant.
Coding change: c.3900G>A on transcript NM_001035.3 (MANE Select); coding-DNA position 3900, G replaced by A.
Protein change: p.Met1300Ile; replaces methionine 1300 with isoleucine.
Molecular consequence: missense variant.
Genome position (GRCh38, 1-based): chr1:237,590,732, G>A. VCF-style: chr1-237590732-G-A. GRCh37 (hg19) VCF-style: chr1-237754032-G-A.
Other names: short protein forms M1300I.
Identifiers: ClinVar variation 2194466 (VCV002194466.5), dbSNP rs762489681, ClinGen allele CA086495.

ClinVar aggregate classification (germline): Uncertain significance. Review status: criteria provided, multiple submitters, no conflicts (2 of 4 stars). 2 submissions from 2 submitters: Uncertain significance (2). Last evaluated 2024-03-07.

Conditions:
Cardiomyopathy (CMYO). Also called: Cardiomyopathies. Identifiers: Orphanet 167848, MedGen C0878544, MONDO:0004994, HP:0001638. Inheritance: Various modes of inheritance.
Catecholaminergic polymorphic ventricular tachycardia 1. Also called: VENTRICULAR TACHYCARDIA, CATECHOLAMINERGIC POLYMORPHIC, 1, WITH OR WITHOUT ATRIAL DYSFUNCTION AND/OR DILATED CARDIOMYOPATHY; RYR2-Related Catecholaminergic Polymorphic Ventricular Tachycardia; VENTRICULAR TACHYCARDIA, STRESS-INDUCED POLYMORPHIC 1. Identifiers: Orphanet 3286, MedGen C1631597, MONDO:0011484, OMIM 604772.

Allele frequency attached by ClinVar (database versions not stated): gnomAD exomes below 0.00001; ExAC 0.00001.

Submissions (2):

Color Diagnostics, LLC DBA Color Health
Classification: Uncertain significance for Cardiomyopathy. Last evaluated: 2024-03-07. Review status: criteria provided, single submitter. Criteria: ACMG Guidelines, 2015. Collection method: clinical testing. Allele origin: germline.
Comment: This missense variant replaces methionine with isoleucine at codon 1300 of the RYR2 protein. Computational prediction suggests that this variant may not impact protein structure and function (internally defined REVEL score threshold <= 0.5, PMID: 27666373). To our knowledge, functional studies have not been reported for this variant. This variant has not been reported in individuals affected with cardiovascular disorders in the literature. This variant has been identified in 1/248016 chromosomes in the general population by the Genome Aggregation Database (gnomAD). The available evidence is insufficient to determine the role of this variant in disease conclusively. Therefore, this variant is classified as a Variant of Uncertain Significance.

Labcorp Genetics (formerly Invitae), Labcorp
Classification: Uncertain significance for Catecholaminergic polymorphic ventricular tachycardia 1. Last evaluated: 2022-05-25. Review status: criteria provided, single submitter. Criteria: Invitae Variant Classification Sherloc (09022015). Collection method: clinical testing. Allele origin: germline.
Comment: Advanced modeling of protein sequence and biophysical properties (such as structural, functional, and spatial information, amino acid conservation, physicochemical variation, residue mobility, and thermodynamic stability) performed at Invitae indicates that this missense variant is not expected to disrupt RYR2 protein function. In summary, the available evidence is currently insufficient to determine the role of this variant in disease. Therefore, it has been classified as a Variant of Uncertain Significance. This variant has not been reported in the literature in individuals affected with RYR2-related conditions. This variant is present in population databases (rs762489681, gnomAD 0.003%). This sequence change replaces methionine, which is neutral and non-polar, with isoleucine, which is neutral and non-polar, at codon 1300 of the RYR2 protein (p.Met1300Ile).